The following is an entry in ClinVar:

NM_016553.5(NUP62):c.7G>A (p.Gly3Arg)

Genes: IL4I1 (interleukin 4 induced 1; minus strand), NUP62 (nucleoporin 62; minus strand). Cytogenetic location: 19q13.33.
Variant type: single nucleotide variant.
Coding change: c.7G>A on transcript NM_016553.5 (MANE Select); coding-DNA position 7, G replaced by A.
Protein change: p.Gly3Arg; replaces glycine 3 with arginine.
Molecular consequence: missense variant. On other transcripts: intron variant (3).
Genome position (GRCh38, 1-based): chr19:49,909,801, C>T on the plus strand (G>A on the coding strand, the complement: NUP62 is on the minus strand). VCF-style: chr19-49909801-C-T. GRCh37 (hg19) VCF-style: chr19-50413058-C-T.
Other names: c.7G>A, p.Gly3Arg (NM_001193357.2, NM_012346.5, NM_153718.4 and 1 more transcripts); c.-227-5480G>A (NM_001258017.2, NM_172374.3); c.-285-5480G>A (NM_001258018.2); short protein forms G3R.
Identifiers: ClinVar variation 2885519 (VCV002885519.3), dbSNP rs749287221, ClinGen allele CA9589226.

ClinVar aggregate classification (germline): Uncertain significance (1 of 4 stars; one submission).

Allele frequency attached by ClinVar (database versions not stated): TOPMed 0.00002; gnomAD 0.00001; gnomAD exomes 0.00001; ExAC 0.00006.
gnomAD v4.1: 19 of 1,613,906 alleles (0.0012%); highest among the groups gnomAD compares: East Asian, 0.016%; no homozygotes.

Submission:

Labcorp Genetics (formerly Invitae), Labcorp
Classification: Uncertain significance. Last evaluated: 2022-10-27. Review status: criteria provided, single submitter. Criteria: Invitae Variant Classification Sherloc (09022015). Collection method: clinical testing. Allele origin: germline.
Comment: In summary, the available evidence is currently insufficient to determine the role of this variant in disease. Therefore, it has been classified as a Variant of Uncertain Significance. Algorithms developed to predict the effect of missense changes on protein structure and function output the following: SIFT: "Tolerated"; PolyPhen-2: "Not Available"; Align-GVGD: "Class C0". The arginine amino acid residue is found in multiple mammalian species, which suggests that this missense change does not adversely affect protein function. This variant has not been reported in the literature in individuals affected with NUP62-related conditions. This variant is present in population databases (rs749287221, gnomAD 0.05%). This sequence change replaces glycine, which is neutral and non-polar, with arginine, which is basic and polar, at codon 3 of the NUP62 protein (p.Gly3Arg).